The following is an entry in ClinVar:

NC_000005.10:g.(?_218349)_(1297373_?)del

Genes: AHRR (aryl hydrocarbon receptor repressor; plus strand), SLC6A19 (solute carrier family 6 member 19; plus strand), EXOC3 (exocyst complex component 3; plus strand), ZDHHC11 (zDHHC palmitoyltransferase 11; minus strand), SLC9A3 (solute carrier family 9 member A3) and 12 more. Cytogenetic location: 5p15.33.
Variant type: Deletion.
Identifiers: ClinVar variation 831918 (VCV000831918.1).

ClinVar aggregate classification (germline): Pathogenic (1 of 4 stars; one submission).

Conditions:
Interstitial lung disease 2 (ILD2). Also called: Familial idiopathic pulmonary fibrosis; FIBROCYSTIC PULMONARY DYSPLASIA; FIBROSING ALVEOLITIS, CRYPTOGENIC. Identifiers: Orphanet 2032, Orphanet 79126, MedGen C5561926, MONDO:0800497, OMIM 178500, MONDO:0800029.
Dyskeratosis congenita, autosomal dominant 2. Identifiers: MedGen C3151443, MONDO:0013521, OMIM 613989.

Submission:

Labcorp Genetics (formerly Invitae), Labcorp
Classification: Pathogenic for Dyskeratosis congenita, autosomal dominant, 2; Idiopathic fibrosing alveolitis, chronic form. Last evaluated: 2019-10-15. Review status: criteria provided, single submitter. Criteria: Invitae Variant Classification Sherloc (09022015). Collection method: clinical testing. Allele origin: germline.
Comment: A gross deletion of the genomic region encompassing the full coding sequence of the TERT gene has been identified. The boundaries of this event are unknown as the deletion extends beyond the assayed region for this gene and therefore may encompass additional genes. A similar deletion has been observed in several individuals affected with Cri-du-Chat syndrome. However, these individuals may have larger chromosomal deletions and other genes in the vicinity of TERT may also be deleted (PMID: 12629597). Loss-of-function variants in TERT are known to be pathogenic (PMID: 16247010, 17460043). For these reasons, this variant has been classified as Pathogenic.

Literature cited by the submitters: PubMed 12629597.